The following is an entry in ClinVar:

ClinVar aggregate classification (germline): Uncertain significance. Review status: criteria provided, multiple submitters, no conflicts (2 of 4 stars). 2 submissions from 2 submitters: Uncertain significance (2). Last evaluated 2023-07-17.

Conditions:
Nemaline myopathy 8 (NEM8). Also called: Nemaline myopathy 8, autosomal recessive. Identifiers: Orphanet 171430, MedGen C3809209, MONDO:0014138, OMIM 615348.
Inborn genetic diseases. Identifiers: MedGen C0950123, MeSH D030342.

Allele frequency attached by ClinVar (database versions not stated): ExAC 0.00002; gnomAD exomes 0.00006 and 0.00009; TOPMed 0.00006; ESP Exome Variant Server 0.00008; gnomAD 0.00008 and 0.00009.
gnomAD v4.1: 143 of 1,613,754 alleles (0.0089%); highest among the groups gnomAD compares: Middle Eastern, 0.049%; no homozygotes.

Submissions (2):

Labcorp Genetics (formerly Invitae), Labcorp
Classification: Uncertain significance for Nemaline myopathy 8. Last evaluated: 2023-07-17. Review status: criteria provided, single submitter. Criteria: Invitae Variant Classification Sherloc (09022015). Collection method: clinical testing. Allele origin: germline.
Comment: This sequence change replaces arginine, which is basic and polar, with cysteine, which is neutral and slightly polar, at codon 402 of the KLHL40 protein (p.Arg402Cys). This variant is present in population databases (rs149076152, gnomAD 0.009%). This variant has not been reported in the literature in individuals affected with KLHL40-related conditions. ClinVar contains an entry for this variant (Variation ID: 474323). Advanced modeling of protein sequence and biophysical properties (such as structural, functional, and spatial information, amino acid conservation, physicochemical variation, residue mobility, and thermodynamic stability) has been performed at Invitae for this missense variant, however the output from this modeling did not meet the statistical confidence thresholds required to predict the impact of this variant on KLHL40 protein function. In summary, the available evidence is currently insufficient to determine the role of this variant in disease. Therefore, it has been classified as a Variant of Uncertain Significance.

Ambry Genetics
Classification: Uncertain significance for Inborn genetic diseases. Last evaluated: 2021-06-22. Review status: criteria provided, single submitter. Criteria: Ambry Variant Classification Scheme 2023. Collection method: clinical testing. Allele origin: germline.

NM_152393.4(KLHL40):c.1204C>T (p.Arg402Cys)

Gene: KLHL40 (kelch like family member 40; plus strand). Cytogenetic location: 3p22.1.
Variant type: single nucleotide variant.
Coding change: c.1204C>T on transcript NM_152393.4 (MANE Select); coding-DNA position 1204, C replaced by T.
Protein change: p.Arg402Cys; replaces arginine 402 with cysteine.
Molecular consequence: missense variant.
Genome position (GRCh38, 1-based): chr3:42,688,193, C>T. VCF-style: chr3-42688193-C-T. GRCh37 (hg19) VCF-style: chr3-42729685-C-T.
Other names: c.1204C>T (NM_152393.2); short protein forms R402C.
Identifiers: ClinVar variation 474323 (VCV000474323.7), dbSNP rs149076152, ClinGen allele CA2336857.